The following is an entry in ClinVar:

NM_001710.6(CFB):c.672C>T (p.Tyr224=)

Gene: CFB (complement factor B; plus strand). Cytogenetic location: 6p21.33.
Variant type: single nucleotide variant.
Coding change: c.672C>T on transcript NM_001710.6 (MANE Select); coding-DNA position 672, C replaced by T.
Protein change: p.Tyr224=; no amino-acid change (tyrosine 224 retained).
Molecular consequence: synonymous variant.
Genome position (GRCh38, 1-based): chr6:31,947,755, C>T. VCF-style: chr6-31947755-C-T. GRCh37 (hg19) VCF-style: chr6-31915532-C-T.
Other names: p.Tyr224=.
Identifiers: ClinVar variation 356277 (VCV000356277.25), dbSNP rs4151670, ClinGen allele CA3728116.

ClinVar aggregate classification (germline): Benign/Likely benign. Review status: criteria provided, multiple submitters, no conflicts (2 of 4 stars). 10 submissions from 10 submitters: Benign (6); Likely benign (2). 2 of the submissions do not count toward it. Last evaluated 2026-02-04.

Conditions:
Kidney disorder. Also called: Kidney disease; Kidney Diseases; renal disorder; renal disease; Nephropathy. Identifiers: MedGen C0022658, MONDO:0005240, HP:0000112.
Atypical hemolytic-uremic syndrome with B factor anomaly. Also called: HEMOLYTIC UREMIC SYNDROME, ATYPICAL, SUSCEPTIBILITY TO, 4; AHUS, SUSCEPTIBILITY TO, 4. Identifiers: Orphanet 2134, MedGen C2752038, MONDO:0013042, OMIM 612924.
Atypical hemolytic-uremic syndrome. Identifiers: Orphanet 2134, MedGen C2931788, MONDO:0016244.

Allele frequency attached by ClinVar (database versions not stated): 1000 Genomes Project 30x 0.01249; 1000 Genomes Project 0.01298; ESP Exome Variant Server 0.01872; TOPMed 0.01874; gnomAD 0.02049 and 0.02070; gnomAD exomes 0.02221 and 0.02252; ExAC 0.02288.

Submissions (10):

Labcorp Genetics (formerly Invitae), Labcorp
Classification: Benign. Last evaluated: 2026-02-04. Review status: criteria provided, single submitter. Criteria: Invitae Variant Classification Sherloc (09022015). Collection method: clinical testing. Allele origin: germline.

Women's Health and Genetics/Laboratory Corporation of America, LabCorp
Classification: Benign. Last evaluated: 2026-01-21. Review status: criteria provided, single submitter. Criteria: LabCorp Variant Classification Summary - May 2015. Collection method: clinical testing. Allele origin: germline.

Genomenon, Inc
Classification: Benign for Atypical hemolytic-uremic syndrome. Last evaluated: 2025-09-26. Review status: criteria provided, single submitter. Criteria: Genomenon Sequence Variant Interpretation Standards - Updated. Collection method: curation. Allele origin: germline. Affected: no.
Comment: CFB p.Tyr224= (c.672C>T) is a synonymous variant that retains Tyrosine at residue 224. This variant has been reported in the published literature (PMID:19696172;27759029;36615095;19654554;22273503;20090206). This variant is present at high allele frequency in population databases. In conclusion, we classify CFB p.Tyr224= (c.672C>T) as a benign variant.

Mayo Clinic Laboratories, Mayo Clinic
Classification: Benign. Last evaluated: 2025-02-25. Review status: criteria provided, single submitter. Criteria: ACMG Guidelines, 2015. Collection method: clinical testing. Allele origin: germline. Observed: 129 variant alleles.
Comment: BS1, BS2, BP4, BP7

Blueprint Genetics
Classification: Likely benign. Last evaluated: 2024-11-25. Review status: criteria provided, single submitter. Criteria: ACMG Guidelines, 2015. Collection method: clinical testing. Allele origin: germline.

Genome Diagnostics Laboratory, The Hospital for Sick Children
Classification: Benign for Kidney disorder. Last evaluated: 2022-04-21. Review status: criteria provided, single submitter. Criteria: ACMG Guidelines, 2015. Collection method: clinical testing. Allele origin: germline.

Illumina Laboratory Services, Illumina
Classification: Benign for Atypical hemolytic-uremic syndrome with B factor anomaly. Last evaluated: 2018-01-13. Review status: criteria provided, single submitter. Criteria: ICSL Variant Classification Criteria 13 December 2019. Collection method: clinical testing. Allele origin: germline.
Comment: This variant was observed in the ICSL laboratory as part of a predisposition screen in an ostensibly healthy population. It had not been previously curated by ICSL or reported in the Human Gene Mutation Database (HGMD: prior to June 1st, 2018), and was therefore a candidate for classification through an automated scoring system. Utilizing variant allele frequency, disease prevalence and penetrance estimates, and inheritance mode, an automated score was calculated to assess if this variant is too frequent to cause the disease. Based on the score and internal cut-off values, a variant classified as benign is not then subjected to further curation. The score for this variant resulted in a classification of benign for this disease.

Breakthrough Genomics
Classification: Likely benign. Review status: criteria provided, single submitter. Criteria: ACMG Guidelines, 2015. Collection method: not provided. Allele origin: germline. Inheritance: Autosomal recessive inheritance. Affected: yes.

Genome Diagnostics Laboratory, University Medical Center Utrecht
Classification: Benign. Review status: no assertion criteria provided. Collection method: clinical testing. Allele origin: germline. Affected: yes. Study: VKGL Data-share Consensus. Not counted in ClinVar's aggregate classification.

Joint Genome Diagnostic Labs from Nijmegen and Maastricht, Radboudumc and MUMC+
Classification: Benign. Review status: no assertion criteria provided. Collection method: clinical testing. Allele origin: germline. Affected: yes. Study: VKGL Data-share Consensus. Not counted in ClinVar's aggregate classification.

Literature cited by the submitters: PubMed 19696172 (cited by Genomenon, Inc and Mayo Clinic Laboratories, Mayo Clinic); 27759029 (cited by Genomenon, Inc); 36615095 (cited by Genomenon, Inc); 19654554 (cited by Genomenon, Inc); 22273503 (cited by Genomenon, Inc); 20090206 (cited by Genomenon, Inc); PubMed 27759029 (cited by Mayo Clinic Laboratories, Mayo Clinic); PubMed 6615095 (cited by Mayo Clinic Laboratories, Mayo Clinic).